The following is an entry in ClinVar:

ClinVar aggregate classification (germline): Likely benign (1 of 4 stars; one submission).

Allele frequency attached by ClinVar (database versions not stated): 1000 Genomes Project 0.00020; ExAC 0.00045; 1000 Genomes Project 30x 0.00047; TOPMed 0.00063; gnomAD 0.00082; gnomAD exomes 0.00098.
gnomAD v4.1: 657 of 701,276 alleles (0.094%); highest among the groups gnomAD compares: Non-Finnish European, 0.13%; 1 homozygote.

Submission:

CeGaT Center for Human Genetics Tuebingen
Classification: Likely benign. Last evaluated: 2026-03-01. Review status: criteria provided, single submitter. Criteria: CeGaT Center For Human Genetics Tuebingen Variant Classification Criteria Version 2. Collection method: clinical testing. Allele origin: germline. Affected: yes. Observed: 9 variant alleles.
Comment: ANKRD11: BS1

NM_013275.6(ANKRD11):c.226+4300G>A

Gene: ANKRD11 (ankyrin repeat domain 11; minus strand). Cytogenetic location: 16q24.3.
Variant type: single nucleotide variant.
Coding change: c.226+4300G>A on transcript NM_013275.6 (MANE Select); 4300 bases into the intron after coding-DNA position 226, G replaced by A.
Molecular consequence: intron variant.
Genome position (GRCh38, 1-based): chr16:89,300,906, C>T on the plus strand (G>A on the coding strand, the complement: ANKRD11 is on the minus strand). VCF-style: chr16-89300906-C-T. GRCh37 (hg19) VCF-style: chr16-89367314-C-T.
Other names: c.226+4300G>A (NM_001256183.2, NM_001256182.2).
Identifiers: ClinVar variation 2578773 (VCV002578773.25), dbSNP rs142754793, ClinGen allele CA8243166.